The following is an entry in ClinVar:

ClinVar aggregate classification (germline): Uncertain significance. Review status: criteria provided, multiple submitters, no conflicts (2 of 4 stars). 2 submissions from 2 submitters: Uncertain significance (2). Last evaluated 2025-12-09.

Conditions:
Kabuki syndrome 2 (KABUK2). Also called: KDM6A-Related Kabuki Syndrome. Identifiers: Orphanet 2322, MedGen C3275495, MONDO:0010465, OMIM 300867.
Intellectual disability. Also called: intellectual disabilities; Intellectual developmental disorder; Intellectual functioning disability. Identifiers: MedGen C3714756, MeSH D008607, MONDO:0001071, HP:0001249.

Allele frequency attached by ClinVar (database versions not stated): gnomAD exomes below 0.00001.
gnomAD v4.1: 3 of 1,210,580 alleles (0.00025%); highest among the groups gnomAD compares: Non-Finnish European, 0.00034%; no homozygotes.

Submissions (3):

Labcorp Genetics (formerly Invitae), Labcorp
Classification: Uncertain significance for Kabuki syndrome 2. Last evaluated: 2025-12-09. Review status: criteria provided, single submitter. Criteria: Invitae Variant Classification Sherloc (09022015). Collection method: clinical testing. Allele origin: germline.
Comment: This sequence change replaces alanine, which is neutral and non-polar, with valine, which is neutral and non-polar, at codon 422 of the KDM6A protein (p.Ala422Val). This variant is not present in population databases (gnomAD no frequency). This variant has not been reported in the literature in individuals affected with KDM6A-related conditions. ClinVar contains an entry for this variant (Variation ID: 978827). Invitae Evidence Modeling of protein sequence and biophysical properties (such as structural, functional, and spatial information, amino acid conservation, physicochemical variation, residue mobility, and thermodynamic stability) indicates that this missense variant is not expected to disrupt KDM6A protein function with a negative predictive value of 80%. In summary, the available evidence is currently insufficient to determine the role of this variant in disease. Therefore, it has been classified as a Variant of Uncertain Significance.

Diagnostic Laboratory, Strasbourg University Hospital
Classification: Uncertain significance for Intellectual disability. Last evaluated: 2020-04-20. Review status: criteria provided, single submitter. Criteria: ACMG Guidelines, 2015. Collection method: clinical testing. Allele origin: paternal. Inheritance: Autosomal dominant inheritance. Affected: yes. Observed: 1 hemizygote.

Dr. Peter K. Rogan Lab, Western University
No classification provided (evidence only). Condition: Nonpapillary renal cell carcinoma. Review status: no classification provided. Collection method: in vitro. Allele origin: not applicable. Functional consequence: retained intron. Not counted in ClinVar's aggregate classification.

NM_001291415.2(KDM6A):c.1265C>T (p.Ala422Val)

Gene: KDM6A (lysine demethylase 6A; plus strand). Cytogenetic location: Xp11.3.
Variant type: single nucleotide variant.
Coding change: c.1265C>T on transcript NM_001291415.2 (MANE Select); coding-DNA position 1265, C replaced by T.
Protein change: p.Ala422Val; replaces alanine 422 with valine.
Molecular consequence: missense variant. On other transcripts: intron variant (4).
Genome position (GRCh38, 1-based): chrX:45,060,092, C>T. VCF-style: chrX-45060092-C-T. GRCh37 (hg19) VCF-style: chrX-44919337-C-T.
Other names: NC_000023.10:g.44919337C>T; c.1265C>T, p.Ala422Val (NM_021140.4); c.1195-517C>T (NM_001291416.2); c.1194+626C>T (NM_001291417.2, NM_001291418.2); c.441+626C>T (NM_001291421.2); short protein forms A422V.
Identifiers: ClinVar variation 978827 (VCV000978827.4), dbSNP rs2044234734, ClinGen allele CA412783352.
Genomic context (GRCh38, chrX:45,060,092, plus strand): 5'-GTAACCTTCCACAAGGTAGTCTACAGAATAAAACTAAATTACTTCCTAGTATTGAGGAGG[C>T]GTGGAGCCTACCAATTCCCGCAGAGCTTACCTCCAGGCAGGGTGCCATGAACACAGCACA-3'
Protein context (NP_001278344.1, residues 412-432): KTKLLPSIEE[Ala422Val]WSLPIPAELT